The following is an entry in ClinVar:

NM_001043353.2(TPM3):c.739G>A (p.Asp247Asn)

Gene: TPM3 (tropomyosin 3; minus strand). Cytogenetic location: 1q21.3.
Variant type: single nucleotide variant.
Coding change: c.739G>A on transcript NM_001043353.2; coding-DNA position 739, G replaced by A.
Protein change: p.Asp247Asn; replaces aspartic acid 247 with asparagine.
Molecular consequence: missense variant. On other transcripts: intron variant (9).
Genome position (GRCh38, 1-based): chr1:154,158,974, C>T on the plus strand (G>A on the coding strand, the complement: TPM3 is on the minus strand). VCF-style: chr1-154158974-C-T. GRCh37 (hg19) VCF-style: chr1-154131450-C-T.
Other names: c.739G>A, p.Asp247Asn (NM_001043352.2); c.850G>A, p.Asp284Asn (NM_001364681.2); c.776-1253G>A (NM_001364679.2, NM_001364680.2); c.467-1253G>A (NM_001278188.2); c.665-1253G>A (NM_001043351.2, NM_153649.4); c.744-1253G>A (NM_001349679.2, NM_001278189.2); c.602-1253G>A (NM_001278190.2); c.395-1253G>A (NM_001278191.2); short protein forms D247N, D284N.
Identifiers: ClinVar variation 4991697 (VCV004991697.1).

ClinVar aggregate classification (germline): Uncertain significance (1 of 4 stars; one submission).

Conditions:
TPM3-related disorder. Also called: TPM3-related condition.

Submission:

PreventionGenetics, part of Exact Sciences
Classification: Uncertain significance for TPM3-related condition. Last evaluated: 2026-08-05. Review status: criteria provided, single submitter. Criteria: ACMG Guidelines, 2015. Collection method: clinical testing. Allele origin: germline.
Comment: The TPM3 c.739G>A variant is predicted to result in the amino acid substitution p.Asp247Asn. To our knowledge, this variant has not been reported in the literature or in a large population database (gnomAD), indicating this variant is rare. At this time, the clinical significance of this variant is uncertain due to the absence of conclusive functional and genetic evidence.